The following is an entry in ClinVar:

ClinVar aggregate classification (germline): Uncertain significance (1 of 4 stars; one submission).

Conditions:
Familial thoracic aortic aneurysm and aortic dissection (TAAD). Also called: Thoracic aortic aneurysms and dissections. Identifiers: Orphanet 91387, MedGen C4707243, MONDO:0019625.

Submission:

Color Diagnostics, LLC DBA Color Health
Classification: Uncertain significance for Familial thoracic aortic aneurysm and aortic dissection. Last evaluated: 2024-08-12. Review status: criteria provided, single submitter. Criteria: ACMG Guidelines, 2015. Collection method: clinical testing. Allele origin: germline.
Comment: This missense variant replaces phenylalanine with tyrosine at codon 166 of the SMAD3 protein. Computational prediction suggests that this variant may not impact protein structure and function (internally defined REVEL score threshold <= 0.5, PMID: 27666373). To our knowledge, functional studies have not been reported for this variant. This variant has not been reported in individuals affected with SMAD3-related disorders in the literature. This variant has not been identified in the general population by the Genome Aggregation Database (gnomAD). The available evidence is insufficient to determine the role of this variant in disease conclusively. Therefore, this variant is classified as a Variant of Uncertain Significance.

NM_005902.4(SMAD3):c.497T>A (p.Phe166Tyr)

Gene: SMAD3 (SMAD family member 3; plus strand). Cytogenetic location: 15q22.33.
Variant type: single nucleotide variant.
Coding change: c.497T>A on transcript NM_005902.4 (MANE Select); coding-DNA position 497, T replaced by A.
Protein change: p.Phe166Tyr; replaces phenylalanine 166 with tyrosine.
Molecular consequence: missense variant. On other transcripts: intron variant (2).
Genome position (GRCh38, 1-based): chr15:67,165,349, T>A. VCF-style: chr15-67165349-T-A. GRCh37 (hg19) VCF-style: chr15-67457687-T-A.
Other names: c.182T>A, p.Phe61Tyr (NM_001145102.2, NM_001407016.1); c.365T>A, p.Phe122Tyr (NM_001145103.2); c.497T>A, p.Phe166Tyr (NM_001407011.1, NM_001407013.1); c.350T>A, p.Phe117Tyr (NM_001407014.1); c.400+261T>A (NM_001407012.1); c.85+261T>A (NM_001407015.1); short protein forms F117Y, F122Y, F166Y, F61Y.
Identifiers: ClinVar variation 3894010 (VCV003894010.1).